The following is an entry in ClinVar:

ClinVar aggregate classification (germline): Pathogenic. Review status: reviewed by expert panel (3 of 4 stars). 3 submissions from 3 submitters: Pathogenic (1). 2 of the submissions do not count toward it. Last evaluated 2024-02-22.

Conditions:
Creatine transporter deficiency (CCDS1). Also called: Mental retardation , X-linked with seizures, short stature and midface hypoplasia; Mental retardation , X-linked, with creatine transport deficiency; X-linked creatine transporter deficiency; X-linked creatine deficiency syndrome; SLC6A8-Related Creatine Transporter Deficiency; CREATINE TRANSPORTER DEFECT. Identifiers: Orphanet 52503, MedGen C1845862, MONDO:0010305, OMIM 300352.

Submissions (3):

ClinGen Cerebral Creatine Deficiency Syndromes Variant Curation Expert Panel, ClinGen
Classification: Pathogenic for Creatine transporter deficiency. Last evaluated: 2024-02-22. Review status: reviewed by expert panel. Criteria: ClinGen_CCDS_ACMG_Specifications_SLC6A8_v1.1. Collection method: curation. Allele origin: germline. Inheritance: X-linked inheritance.
Comment: The NM_005629.4: c.1428C>G (p.Tyr476Ter) variant in SLC6A8 is a nonsense variant predicted to cause a premature stop codon in biologically-relevant-exon 10/13, leading to nonsense mediated decay in a gene in which loss-of-function is an established disease mechanism (PVS1). The variant is absent in gnomAD v2.1.1. (PM2_Supporting). There is a ClinVar entry for this variant (Variation ID: 1802549). In summary, this variant meets the criteria to be classified as pathogenic for creatine transporter deficiency. SLC6A8-specific criteria applied, as specified by the ClinGen CCDS VCEP (Specifications Version 1.1.0): PVS1, PP4, PM2_Supporting. (Classification approved by the ClinGen Cerebral Creatine Deficiency Syndromes Variant Curation Expert Panel on February 22, 2024).

Labcorp Genetics (formerly Invitae), Labcorp
Classification: Pathogenic for Creatine transporter deficiency. Last evaluated: 2025-01-19. Review status: criteria provided, single submitter. Criteria: Invitae Variant Classification Sherloc (09022015). Collection method: clinical testing. Allele origin: germline. Not counted in ClinVar's aggregate classification.
Comment: This sequence change creates a premature translational stop signal (p.Tyr476*) in the SLC6A8 gene. It is expected to result in an absent or disrupted protein product. Loss-of-function variants in SLC6A8 are known to be pathogenic (PMID: 22281021). This variant is not present in population databases (gnomAD no frequency). This premature translational stop signal has been observed in individual(s) with creatine transporter deficiency (PMID: 29435807). ClinVar contains an entry for this variant (Variation ID: 1802549). For these reasons, this variant has been classified as Pathogenic.

Laboratory of Medical Genetics, University of Torino
Classification: Likely pathogenic for Creatine transporter deficiency. Last evaluated: 2022-11-29. Review status: criteria provided, single submitter. Criteria: ACMG Guidelines, 2015. Collection method: research. Allele origin: germline. Affected: yes. Study: NeuroWES. Not counted in ClinVar's aggregate classification.

Literature cited by the submitters: PubMed 22281021 (cited by Labcorp Genetics (formerly Invitae), Labcorp); PubMed 29435807 (cited by Labcorp Genetics (formerly Invitae), Labcorp).

NM_005629.4(SLC6A8):c.1428C>G (p.Tyr476Ter)

Gene: SLC6A8 (solute carrier family 6 member 8; plus strand). Cytogenetic location: Xq28.
Variant type: single nucleotide variant.
Coding change: c.1428C>G on transcript NM_005629.4 (MANE Select); coding-DNA position 1428, C replaced by G.
Protein change: p.Tyr476Ter; replaces tyrosine 476 with a stop codon.
Molecular consequence: nonsense.
Genome position (GRCh38, 1-based): chrX:153,694,379, C>G. VCF-style: chrX-153694379-C-G. GRCh37 (hg19) VCF-style: chrX-152959834-C-G.
Other names: NM_005629.4(SLC6A8):c.1428C>G; p.Tyr476Ter; c.1398C>G, p.Tyr466Ter (NM_001142805.2); c.1083C>G, p.Tyr361Ter (NM_001142806.1); short protein forms Y361*, Y466*, Y476*.
Identifiers: ClinVar variation 1802549 (VCV001802549.4), dbSNP rs1239466041, ClinGen allele CA415087494.